The following is an entry in ClinVar:

NM_001353345.2(SETD1B):c.1463C>A (p.Ser488Tyr)

Gene: SETD1B (SET domain containing 1B, histone lysine methyltransferase; plus strand). Cytogenetic location: 12q24.31.
Variant type: single nucleotide variant.
Coding change: c.1463C>A on transcript NM_001353345.2 (MANE Select); coding-DNA position 1463, C replaced by A.
Protein change: p.Ser488Tyr; replaces serine 488 with tyrosine.
Molecular consequence: missense variant.
Genome position (GRCh38, 1-based): chr12:121,810,408, C>A. VCF-style: chr12-121810408-C-A. GRCh37 (hg19) VCF-style: chr12-122248314-C-A.
Other names: short protein forms S488Y.
Identifiers: ClinVar variation 2636455 (VCV002636455.1), dbSNP rs1592977380, ClinGen allele CA386991921.

ClinVar aggregate classification (germline): Uncertain significance (1 of 4 stars; one submission).

Conditions:
SETD1B-related disorder. Also called: SETD1B-related condition.

Submission:

PreventionGenetics, part of Exact Sciences
Classification: Uncertain significance for SETD1B-related condition. Last evaluated: 2022-08-19. Review status: criteria provided, single submitter. Criteria: ACMG Guidelines, 2015. Collection method: clinical testing. Allele origin: germline.
Comment: The SETD1B c.1463C>A variant is predicted to result in the amino acid substitution p.Ser488Tyr. To our knowledge, this variant has not been reported in the literature or in a large population database, indicating this variant is rare. At this time, the clinical significance of this variant is uncertain due to the absence of conclusive functional and genetic evidence.